The following is an entry in ClinVar:

NM_006618.5(KDM5B):c.2173T>C (p.Cys725Arg)

Gene: KDM5B (lysine demethylase 5B; minus strand). Cytogenetic location: 1q32.1.
Variant type: single nucleotide variant.
Coding change: c.2173T>C on transcript NM_006618.5 (MANE Select); coding-DNA position 2173, T replaced by C.
Protein change: p.Cys725Arg; replaces cysteine 725 with arginine.
Molecular consequence: missense variant.
Genome position (GRCh38, 1-based): chr1:202,746,167, A>G on the plus strand (T>C on the coding strand, the complement: KDM5B is on the minus strand). VCF-style: chr1-202746167-A-G. GRCh37 (hg19) VCF-style: chr1-202715295-A-G.
Other names: c.2281T>C, p.Cys761Arg (NM_001314042.2); c.2038T>C, p.Cys680Arg (NM_001347591.2); c.2158T>C, p.Cys720Arg (NM_001399817.1); short protein forms C761R, C725R, C680R, C720R.
Identifiers: ClinVar variation 2228515 (VCV002228515.3), dbSNP rs2527485918, ClinGen allele CA344266353.

ClinVar aggregate classification (germline): Likely pathogenic (1 of 4 stars; one submission).

Conditions:
Inborn genetic diseases. Identifiers: MedGen C0950123, MeSH D030342.

Allele frequency attached by ClinVar (database versions not stated): gnomAD exomes below 0.00001.
gnomAD v4.1: 1 of 1,612,740 alleles (0.000062%); highest among the groups gnomAD compares: Non-Finnish European, 0.000085%; no homozygotes.

Submission:

Ambry Genetics
Classification: Likely pathogenic for Inborn genetic diseases. Last evaluated: 2026-03-18. Review status: criteria provided, single submitter. Criteria: Ambry Variant Classification Scheme 2023. Collection method: clinical testing. Allele origin: germline.
Comment: The c.2173T>C (p.C725R) alteration is located in exon 15 (coding exon 15) of the KDM5B gene. This alteration results from a T to C substitution at nucleotide position 2173, causing the cysteine (C) at amino acid position 725 to be replaced by an arginine (R). This variant was not reported in population-based cohorts in the Genome Aggregation Database (gnomAD). This amino acid position is highly conserved in available vertebrate species. Based on internal structural analysis, this variant is anticipated to result in a significant decrease in structural stability (Le Bihan, 2019; Johansson, 2016; Ambry internal data). This alteration is predicted to be deleterious by in silico analysis. Based on the available evidence, this alteration is classified as likely pathogenic.

Literature cited by the submitters: PubMed 27214403; PubMed 31158747.